The following is an entry in ClinVar:

ClinVar aggregate classification (germline): Likely benign. Review status: criteria provided, single submitter (1 of 4 stars). 2 submissions from 2 submitters: Likely benign (1). 1 of the submissions does not count toward it. Last evaluated 2026-01-12.

Conditions:
PIGQ-related disorder. Also called: PIGQ-related condition.
Epilepsy. Also called: Seizure disorder. Identifiers: MedGen C0014544, MeSH D004827, MONDO:0005027.

Allele frequency attached by ClinVar (database versions not stated): gnomAD exomes 0.00006; ExAC 0.00007; gnomAD 0.00015 and 0.00017; ESP Exome Variant Server 0.00024; TOPMed 0.00028.
gnomAD v4.1: 58 of 1,607,446 alleles (0.0036%); highest among the groups gnomAD compares: African/African-American, 0.033%; no homozygotes.

Submissions (2):

Labcorp Genetics (formerly Invitae), Labcorp
Classification: Likely benign for Epilepsy. Last evaluated: 2026-01-12. Review status: criteria provided, single submitter. Criteria: Invitae Variant Classification Sherloc (09022015). Collection method: clinical testing. Allele origin: germline.

PreventionGenetics, part of Exact Sciences
Classification: Likely benign for PIGQ-related condition. Last evaluated: 2019-07-10. Review status: no assertion criteria provided. Collection method: clinical testing. Allele origin: germline. Not counted in ClinVar's aggregate classification.
Comment: This variant is classified as likely benign based on ACMG/AMP sequence variant interpretation guidelines (Richards et al. 2015 PMID: 25741868, with internal and published modifications).

NM_004204.5(PIGQ):c.579G>A (p.Ser193=)

Gene: PIGQ (phosphatidylinositol glycan anchor biosynthesis class Q; plus strand). Cytogenetic location: 16p13.3.
Variant type: single nucleotide variant.
Coding change: c.579G>A on transcript NM_004204.5 (MANE Select); coding-DNA position 579, G replaced by A.
Protein change: p.Ser193=; no amino-acid change (serine 193 retained).
Molecular consequence: synonymous variant.
Genome position (GRCh38, 1-based): chr16:574,653, G>A. VCF-style: chr16-574653-G-A. GRCh37 (hg19) VCF-style: chr16-624653-G-A.
Other names: c.579G>A, p.Ser193= (NM_148920.4).
Identifiers: ClinVar variation 791758 (VCV000791758.12), dbSNP rs373040276, ClinGen allele CA7779911.